The following is an entry in ClinVar:

ClinVar aggregate classification (germline): Likely pathogenic (1 of 4 stars; one submission).

Conditions:
Spastic paraplegia. Identifiers: MedGen C0037772, HP:0001258.

Submission:

Labcorp Genetics (formerly Invitae), Labcorp
Classification: Likely pathogenic for Spastic paraplegia. Last evaluated: 2024-09-30. Review status: criteria provided, single submitter. Criteria: Invitae Variant Classification Sherloc (09022015). Collection method: clinical testing. Allele origin: germline.
Comment: This sequence change affects an acceptor splice site in intron 35 of the ZFYVE26 gene. It is expected to disrupt RNA splicing. Variants that disrupt the donor or acceptor splice site typically lead to a loss of protein function (PMID: 16199547), and loss-of-function variants in ZFYVE26 are known to be pathogenic (PMID: 18394578, 19805727). This variant is not present in population databases (gnomAD no frequency). This variant has not been reported in the literature in individuals affected with ZFYVE26-related conditions. Algorithms developed to predict the effect of sequence changes on RNA splicing suggest that this variant may disrupt the consensus splice site. In summary, the currently available evidence indicates that the variant is pathogenic, but additional data are needed to prove that conclusively. Therefore, this variant has been classified as Likely Pathogenic.

Literature cited by the submitters: PubMed 16199547; PubMed 18394578; PubMed 19805727.

NM_015346.4(ZFYVE26):c.6589-2A>T

Gene: ZFYVE26 (zinc finger FYVE-type containing 26; minus strand). Cytogenetic location: 14q24.1.
Variant type: single nucleotide variant.
Coding change: c.6589-2A>T on transcript NM_015346.4 (MANE Select); the canonical splice acceptor site of the intron before coding-DNA position 6589, A replaced by T.
Molecular consequence: splice acceptor variant.
Genome position (GRCh38, 1-based): chr14:67,756,147, T>A on the plus strand (A>T on the coding strand, the complement: ZFYVE26 is on the minus strand). VCF-style: chr14-67756147-T-A. GRCh37 (hg19) VCF-style: chr14-68222864-T-A.
Identifiers: ClinVar variation 3721833 (VCV003721833.2).